The following is an entry in ClinVar:

NM_000138.5(FBN1):c.3757_3760del (p.Gln1253fs)

Gene: FBN1 (fibrillin 1; minus strand). Cytogenetic location: 15q21.1.
Variant type: Deletion.
Coding change: c.3757_3760del on transcript NM_000138.5 (MANE Select); coding-DNA positions 3757 to 3760, 4 bases deleted (CAGT; older notation c.3757_3760delCAGT).
Protein change: p.Gln1253fs; shifts the reading frame from glutamine 1253.
Molecular consequence: frameshift variant.
Genome position (GRCh38, 1-based): chr15:48,483,896-48,483,899, ACTG deleted on the plus strand (CAGT on the coding strand, the reverse complement: FBN1 is on the minus strand); deleting any 4 consecutive bases within chr15:48,483,896-48,483,901 gives the same sequence; the c. name uses the placement nearest the transcript's 3' end. VCF-style (leftmost placement, unchanged base first): chr15-48483895-CACTG-C. GRCh37 (hg19) VCF-style: chr15-48776092-CACTG-C.
Other names: short protein forms Q1253fs.
Identifiers: ClinVar variation 978559 (VCV000978559.2), dbSNP rs2043485390, ClinGen allele CA1139663894.
Genomic context (GRCh38, chr15:48,483,895, plus strand): 5'-TCTTCAGATGCCATGAATCCATCATAACACAAGCACCTGTACTCTCCAGGGATATTTGTG[CACTG>C]ACCACCATCACAGATATTGGGATTATCTTCACACTCATCGATGTCTGCAAAGAATAAAAC-3'

ClinVar aggregate classification (germline): Pathogenic (1 of 4 stars; one submission).

Conditions:
Mitral valve prolapse. Identifiers: MedGen C0026267, MONDO:0004910, HP:0001634.
Striae distensae. Also called: skin striae. Identifiers: MedGen C0152459, HP:0001065.
Pes valgus. Identifiers: MedGen C1578482, HP:0008081.
Aortic root aneurysm. Also called: Aneurysm of aortic root. Identifiers: MedGen C1298820, HP:0002616.
Ectopia lentis. Identifiers: MedGen C0013581, HP:0001083.
Pectus carinatum. Also called: Carinatum deformity of the chest. Identifiers: MedGen C0158731, HP:0000768.
Myopia. Also called: Myopia (disease). Identifiers: MedGen C0027092, MONDO:0001384, HP:0000545.
Pes planus. Also called: Flat feet; flatfoot. Identifiers: MedGen C0016202, MONDO:0005293, HP:0001763.
Scoliosis. Identifiers: MedGen C0036439, MONDO:0005392, HP:0002650.

Submission:

Centre for Mendelian Genomics, University Medical Centre Ljubljana
Classification: Pathogenic for Myopia; Pectus carinatum; Striae distensae; Ectopia lentis; Mitral valve prolapse; Pes planus; Aortic root aneurysm; Scoliosis; Pes valgus. Last evaluated: 2016-01-01. Review status: criteria provided, single submitter. Criteria: ACMG guidelines, Richards 2015. Collection method: clinical testing. Allele origin: germline. Affected: yes.
Comment: This variant was classified as: Likely pathogenic. The following ACMG criteria were applied in classifying this variant: PM2,PP5,PP3,PM1,PP2. This variant was detected in homozygous state.